The following is an entry in ClinVar:

NM_152564.5(VPS13B):c.7779+5G>T

Gene: VPS13B (vacuolar protein sorting 13 homolog B; plus strand). Cytogenetic location: 8q22.2.
Variant type: single nucleotide variant.
Coding change: c.7779+5G>T on transcript NM_152564.5 (MANE Select); 5 bases into the intron after coding-DNA position 7779, G replaced by T.
Molecular consequence: intron variant.
Genome position (GRCh38, 1-based): chr8:99,779,036, G>T. VCF-style: chr8-99779036-G-T. GRCh37 (hg19) VCF-style: chr8-100791264-G-T.
Other names: c.7854+5G>T (NM_017890.5).
Identifiers: ClinVar variation 857354 (VCV000857354.8), dbSNP rs1454252779, ClinGen allele CA583884572.

ClinVar aggregate classification (germline): Uncertain significance. Review status: criteria provided, multiple submitters, no conflicts (2 of 4 stars). 2 submissions from 2 submitters: Uncertain significance (2). Last evaluated 2025-04-07.

Conditions:
Inborn genetic diseases. Identifiers: MedGen C0950123, MeSH D030342.
Cohen syndrome (COH1). Also called: PEPPER SYNDROME; Cutis verticis gyrata, retinitis pigmentosa, and sensorineural deafness. Identifiers: Orphanet 193, MedGen C0265223, MONDO:0008999, OMIM 216550.

Allele frequency attached by ClinVar (database versions not stated): gnomAD exomes below 0.00001.
gnomAD v4.1: 1 of 1,611,756 alleles (0.000062%); highest among the groups gnomAD compares: Non-Finnish European, 0.000085%; no homozygotes.

Submissions (2):

Labcorp Genetics (formerly Invitae), Labcorp
Classification: Uncertain significance for Cohen syndrome. Last evaluated: 2025-04-07. Review status: criteria provided, single submitter. Criteria: Invitae Variant Classification Sherloc (09022015). Collection method: clinical testing. Allele origin: germline.
Comment: This sequence change falls in intron 42 of the VPS13B gene. It does not directly change the encoded amino acid sequence of the VPS13B protein. It affects a nucleotide within the consensus splice site. This variant is present in population databases (no rsID available, gnomAD 0.0009%). This variant has not been reported in the literature in individuals affected with VPS13B-related conditions. ClinVar contains an entry for this variant (Variation ID: 857354). Variants that disrupt the consensus splice site are a relatively common cause of aberrant splicing (PMID: 17576681, 9536098). Algorithms developed to predict the effect of sequence changes on RNA splicing suggest that this variant is not likely to affect RNA splicing. In summary, the available evidence is currently insufficient to determine the role of this variant in disease. Therefore, it has been classified as a Variant of Uncertain Significance.

Ambry Genetics
Classification: Uncertain significance for Inborn genetic diseases. Last evaluated: 2018-04-11. Review status: criteria provided, single submitter. Criteria: Ambry Variant Classification Scheme 2023. Collection method: clinical testing. Allele origin: germline.
Comment: The c.7854+5G>T intronic variant results from a G to T substitution 5 nucleotides after coding exon 41 in the VPS13B gene. This nucleotide position is highly conserved in available vertebrate species. Using the BDGP and ESEfinder splice site prediction tools, this alteration is predicted to weaken the efficiency of the native splice donor site; however, direct evidence is unavailable. Since supporting evidence is limited at this time, the clinical significance of this alteration remains unclear.

Literature cited by the submitters: PubMed 17576681 (cited by Labcorp Genetics (formerly Invitae), Labcorp); PubMed 9536098 (cited by Labcorp Genetics (formerly Invitae), Labcorp).